The following is an entry in ClinVar:

ClinVar aggregate classification (germline): Likely benign. Review status: criteria provided, multiple submitters, no conflicts (2 of 4 stars). 2 submissions from 2 submitters: Likely benign (2). Last evaluated 2023-01-09.

Allele frequency attached by ClinVar (database versions not stated): gnomAD exomes below 0.00001.
gnomAD v4.1: 3 of 1,613,916 alleles (0.00019%); highest among the groups gnomAD compares: Non-Finnish European, 0.00017%; no homozygotes.

Submissions (2):

Labcorp Genetics (formerly Invitae), Labcorp
Classification: Likely benign. Last evaluated: 2023-01-09. Review status: criteria provided, single submitter. Criteria: Invitae Variant Classification Sherloc (09022015). Collection method: clinical testing. Allele origin: germline.

Laboratory for Molecular Medicine, Mass General Brigham Personalized Medicine
Classification: Likely benign. Last evaluated: 2014-08-19. Review status: criteria provided, single submitter. Criteria: LMM Criteria. Collection method: clinical testing. Allele origin: germline. Observed: 1 variant allele.
Comment: Leu5285Leu in exon 74 of GPR98: This variant is not expected to have clinical si gnificance because it does not alter an amino acid residue and is not located wi thin the splice consensus sequence.

NM_032119.4(ADGRV1):c.15855A>G (p.Leu5285=)

Gene: ADGRV1 (adhesion G protein-coupled receptor V1; plus strand). Cytogenetic location: 5q14.3.
Variant type: single nucleotide variant.
Coding change: c.15855A>G on transcript NM_032119.4 (MANE Select); coding-DNA position 15855, A replaced by G.
Protein change: p.Leu5285=; no amino-acid change (leucine 5285 retained).
Molecular consequence: synonymous variant. On other transcripts: non-coding transcript variant (1).
Genome position (GRCh38, 1-based): chr5:90,811,115, A>G. VCF-style: chr5-90811115-A-G. GRCh37 (hg19) VCF-style: chr5-90106932-A-G.
Identifiers: ClinVar variation 179823 (VCV000179823.8), dbSNP rs727505154, ClinGen allele CA185214.
Genomic context (GRCh38, chr5:90,811,115, plus strand): 5'-ATGTGCTCAGATGGAACCAAATGCATTGCCCTTTCGTGGTATCTATGGGATTTCCAACCT[A>G]ACATGGGCAGTTGAAGAAGAAGACTTTGAAGAACAAACTCTTACCCTTATATTCCTAGAT-3'
Protein context (NP_115495.3, residues 5275-5295): PFRGIYGISN[Leu5285=]TWAVEEEDFE